The following is an entry in ClinVar:

NM_213653.4(HJV):c.272G>C (p.Arg91Pro)

Gene: HJV (hemojuvelin BMP co-receptor; minus strand). Cytogenetic location: 1q21.1.
Variant type: single nucleotide variant.
Coding change: c.272G>C on transcript NM_213653.4 (MANE Select); coding-DNA position 272, G replaced by C.
Protein change: p.Arg91Pro; replaces arginine 91 with proline.
Molecular consequence: missense variant. On other transcripts: 5 prime UTR variant (1), intron variant (3).
Genome position (GRCh38, 1-based): chr1:146,019,560, C>G on the plus strand (G>C on the coding strand, the complement: HJV is on the minus strand). VCF-style: chr1-146019560-C-G. GRCh37 (hg19) VCF-style: chr1-145415453-G-C.
Other names: c.272G>C, p.Arg91Pro (NM_001379352.1); c.-68G>C (NM_145277.5); c.-21-860G>C (NM_213652.4); c.-22+138G>C (NM_202004.4, NM_001316767.2); short protein forms R91P.
Identifiers: ClinVar variation 806203 (VCV000806203.15), dbSNP rs1571046010, ClinGen allele CA342142850.

ClinVar aggregate classification (germline): Uncertain significance (1 of 4 stars; one submission).

Allele frequency attached by ClinVar (database versions not stated): gnomAD exomes below 0.00001.
gnomAD v4.1: 2 of 1,613,096 alleles (0.00012%); highest among the groups gnomAD compares: Middle Eastern, 0.016%; no homozygotes.

Submission:

Labcorp Genetics (formerly Invitae), Labcorp
Classification: Uncertain significance. Last evaluated: 2021-12-15. Review status: criteria provided, single submitter. Criteria: Invitae Variant Classification Sherloc (09022015). Collection method: clinical testing. Allele origin: germline.
Comment: In summary, the available evidence is currently insufficient to determine the role of this variant in disease. Therefore, it has been classified as a Variant of Uncertain Significance. Algorithms developed to predict the effect of missense changes on protein structure and function (SIFT, PolyPhen-2, Align-GVGD) all suggest that this variant is likely to be disruptive. ClinVar contains an entry for this variant (Variation ID: 806203). This missense change has been observed in individual(s) with hemochromatosis (Invitae). This variant is not present in population databases (gnomAD no frequency). This sequence change replaces arginine, which is basic and polar, with proline, which is neutral and non-polar, at codon 91 of the HJV protein (p.Arg91Pro).